The following is an entry in ClinVar:

NM_003995.4(NPR2):c.140C>T (p.Pro47Leu)

Gene: NPR2 (natriuretic peptide receptor 2; plus strand). Cytogenetic location: 9p13.3.
Variant type: single nucleotide variant.
Coding change: c.140C>T on transcript NM_003995.4 (MANE Select); coding-DNA position 140, C replaced by T.
Protein change: p.Pro47Leu; replaces proline 47 with leucine.
Molecular consequence: missense variant.
Genome position (GRCh38, 1-based): chr9:35,792,548, C>T. VCF-style: chr9-35792548-C-T. GRCh37 (hg19) VCF-style: chr9-35792545-C-T.
Other names: c.140C>T, p.Pro47Leu (NM_001378923.1); short protein forms P47L.
Identifiers: ClinVar variation 427217 (VCV000427217.2), dbSNP rs1085308030, ClinGen allele CA373361725.

ClinVar aggregate classification (germline): Likely pathogenic (1 of 4 stars; one submission).

Allele frequency attached by ClinVar (database versions not stated): TOPMed below 0.00001.

Submission:

GeneDx
Classification: Likely pathogenic. Last evaluated: 2015-08-18. Review status: criteria provided, single submitter. Criteria: GeneDx Variant Classification (06012015). Collection method: clinical testing. Allele origin: germline. Affected: yes.
Comment: The P47L variant in the NPR2 gene has not been published as a pathogenic variant, nor has it been reported as a benign polymorphism to our knowledge. The P47L variant was not observed in approximately 6500 individuals of European and African American ancestry in the NHLBI Exome Sequencing Project, indicating it is not a common benign variant in these populations. The P47L variant is a semi-conservative amino acid substitution, which may impact secondary protein structure as these residues differ in some properties. This substitution occurs at a position that is conserved in mammals. In silico analysis is inconsistent in its predictions as to whether or not the variant is damaging to the protein structure/function. A missense variant in a nearby residue (A48S) has been reported in the Human Gene Mutation Database in association with a NPR2-related disorder (Stenson et al., 2014), supporting the functional importance of this region of the protein. The P47L variant is a strong candidate for a disease-causing variant, however the possibility it may be a rare benign variant cannot be excluded.